The following is an entry in ClinVar:

ClinVar aggregate classification (germline): Conflicting classifications of pathogenicity. Review status: criteria provided, conflicting classifications (1 of 4 stars). 2 submissions from 2 submitters: Uncertain significance (1); Likely benign (1). Last evaluated 2025-07-03.

Conditions:
FBXO38-related disorder. Also called: FBXO38-related condition.
Distal hereditary motor neuropathy type 2. Identifiers: Orphanet 139525, MedGen C3711384, MeSH C580044, MONDO:0015352.

Allele frequency attached by ClinVar (database versions not stated): gnomAD 0.00001; TOPMed 0.00001.
gnomAD v4.1: 62 of 1,614,100 alleles (0.0038%); highest among the groups gnomAD compares: South Asian, 0.027%; 1 homozygote.

Submissions (2):

PreventionGenetics, part of Exact Sciences
Classification: Likely benign for FBXO38-related condition. Last evaluated: 2025-07-03. Review status: criteria provided, single submitter. Criteria: ACMG Guidelines, 2015. Collection method: clinical testing. Allele origin: germline.
Comment: This variant is classified as likely benign based on ACMG/AMP sequence variant interpretation guidelines (Richards et al. 2015 PMID: 25741868, with internal and published modifications).

Labcorp Genetics (formerly Invitae), Labcorp
Classification: Uncertain significance for Distal hereditary motor neuropathy type 2. Last evaluated: 2023-07-07. Review status: criteria provided, single submitter. Criteria: Invitae Variant Classification Sherloc (09022015). Collection method: clinical testing. Allele origin: germline.
Comment: This sequence change replaces threonine, which is neutral and polar, with methionine, which is neutral and non-polar, at codon 730 of the FBXO38 protein (p.Thr730Met). This variant is present in population databases (rs767223993, gnomAD 0.02%). This variant has not been reported in the literature in individuals affected with FBXO38-related conditions. ClinVar contains an entry for this variant (Variation ID: 541016). Advanced modeling of protein sequence and biophysical properties (such as structural, functional, and spatial information, amino acid conservation, physicochemical variation, residue mobility, and thermodynamic stability) performed at Invitae indicates that this missense variant is not expected to disrupt FBXO38 protein function. In summary, the available evidence is currently insufficient to determine the role of this variant in disease. Therefore, it has been classified as a Variant of Uncertain Significance.

NM_205836.3(FBXO38):c.2189C>T (p.Thr730Met)

Gene: FBXO38 (F-box protein 38; plus strand). Cytogenetic location: 5q32.
Variant type: single nucleotide variant.
Coding change: c.2189C>T on transcript NM_205836.3 (MANE Select); coding-DNA position 2189, C replaced by T.
Protein change: p.Thr730Met; replaces threonine 730 with methionine.
Molecular consequence: missense variant. On other transcripts: intron variant (1).
Genome position (GRCh38, 1-based): chr5:148,427,483, C>T. VCF-style: chr5-148427483-C-T. GRCh37 (hg19) VCF-style: chr5-147807046-C-T.
Other names: c.2189C>T, p.Thr730Met (NM_030793.5); c.1918+1782C>T (NM_001271723.2); short protein forms T730M.
Identifiers: ClinVar variation 541016 (VCV000541016.11), dbSNP rs767223993, ClinGen allele CA3497461.